The following is an entry in ClinVar:

NM_007187.5(WBP4):c.962A>G (p.Tyr321Cys)

Gene: WBP4 (WW domain binding protein 4; plus strand). Cytogenetic location: 13q14.11.
Variant type: single nucleotide variant.
Coding change: c.962A>G on transcript NM_007187.5 (MANE Select); coding-DNA position 962, A replaced by G.
Protein change: p.Tyr321Cys; replaces tyrosine 321 with cysteine.
Molecular consequence: missense variant.
Genome position (GRCh38, 1-based): chr13:41,082,745, A>G. VCF-style: chr13-41082745-A-G. GRCh37 (hg19) VCF-style: chr13-41656881-A-G.
Other names: short protein forms Y321C.
Identifiers: ClinVar variation 4820921 (VCV004820921.4).
Genomic context (GRCh38, chr13:41,082,745, plus strand): 5'-ACTTTAACTCTATTTCCAGTGAGGAGGTAGATTTGGAACTTCCAAGCACTGAAAATGAGT[A>G]TGTATCAACTTCAGAAGCTGATGGTGGCGGAGAACCCAAAGTGGTATTTAAAGAAAAAAC-3'
Protein context (NP_009118.1, residues 311-331): DLELPSTENE[Tyr321Cys]VSTSEADGGG

ClinVar aggregate classification (germline): Likely benign (1 of 4 stars; one submission).

Submission:

CeGaT Center for Human Genetics Tuebingen
Classification: Likely benign. Last evaluated: 2026-03-01. Review status: criteria provided, single submitter. Criteria: CeGaT Center For Human Genetics Tuebingen Variant Classification Criteria Version 2. Collection method: clinical testing. Allele origin: germline. Affected: yes. Observed: 1 variant allele.
Comment: WBP4: BP4, BS1